The following is an entry in ClinVar:

ClinVar aggregate classification (germline): Uncertain significance (0 of 4 stars; one submission).
ClinVar aggregate classification (somatic clinical impact): Tier I - Strong. Review status: criteria provided, single submitter (1 of 4 stars). 2 submissions from 1 submitter. Last evaluated 2025-04-11.

Conditions:
DDX3X-related disorder. Also called: DDX3X-related condition.
Medulloblastoma WNT activated. Identifiers: MedGen C4331965, MONDO:0850196.
Melanoma. Identifiers: MedGen C0025202, MeSH D008545, MONDO:0005105, HP:0002861.

Submissions (3):

Institute for Genomic Medicine (IGM) Clinical Laboratory, Nationwide Children's Hospital
Classification: Tier I - Strong for Medulloblastoma WNT activated. Assertion type: diagnostic. Clinical significance: supports diagnosis. Last evaluated: 2025-04-11. Review status: criteria provided, single submitter. Criteria: AMP/ASCO/CAP Guidelines, 2017. Collection method: clinical testing. Allele origin: somatic. Affected: yes.
Comment: Variant has Tier I (strong) clinical significance as a diagnostic inclusion criterion in medulloblastoma WNT activated, based on the following evidence: 1) Documented in one or more cancer databases (e.g., St. Jude Pecan, COSMIC, CIViC, OncoKB). 2) Appears in one or more well-established professional guidelines (e.g., World Health Organization [WHO]; National Comprehensive Cancer Network [NCCN]) as providing diagnostic, prognostic, or therapeutic information. 3) Information in the literature supports potential biologic effect of variant (PMIDs: 22820256, 27180681, 33627125). 4) Diagnostic for a specific tumor type/classification based on well-powered studies with expert-level consensus (Evidence Level B; PMIDs: 22820256, 22832583, 22722829, 28726821, 31574483, 30765705).

Institute for Genomic Medicine (IGM) Clinical Laboratory, Nationwide Children's Hospital
Classification: Tier I - Strong for Melanoma. Assertion type: diagnostic. Clinical significance: supports diagnosis. Last evaluated: 2025-04-04. Review status: criteria provided, single submitter. Criteria: AMP/ASCO/CAP Guidelines, 2017. Collection method: clinical testing. Allele origin: somatic. Affected: yes.
Comment: Variant has Tier I (strong) clinical significance as a diagnostic inclusion criterion in melanoma, based on the following evidence: 1) Documented in one or more cancer databases (e.g., St. Jude Pecan, COSMIC, CIViC, OncoKB). 2) Information in the literature supports potential biologic effect of variant (PMIDs: 38057330, 27180681). 3) Diagnostic for a specific tumor type/classification based on well-powered studies with expert-level consensus (Evidence Level B; PMIDs: 26091043, 28467829, 35121978, 33230298, 36219477, 31216476).

PreventionGenetics, part of Exact Sciences
Classification: Uncertain significance for DDX3X-related condition. Last evaluated: 2023-11-22. Review status: no assertion criteria provided. Collection method: clinical testing. Allele origin: germline.
Comment: The DDX3X c.1051C>T variant is predicted to result in the amino acid substitution p.Arg351Trp. To our knowledge, this variant has not been reported in the literature or in a large population database, indicating this variant is rare. This variant is located within the helicase domain which is suggested to be enriched for pathogenic variants (Lennox AL et al. 2020. PubMed ID: 32135084). Another variant affecting the same amino acid residue (p.Arg351Gln) has been reported in multiple unrelated males with DDX3X-related disorders and in at least three families, was inherited from an asymptomatic mother (Table 1, Snijders Blok L et al. 2015. PubMed ID: 26235985; Table 1, Wang X et al. 2018. PubMed ID: 30349862; Table S1, Lennox AL et al. 2020. PubMed ID: 32135084). At this time, the clinical significance of the c.1051C>T (p.Arg351Trp) variant is uncertain due to the absence of conclusive functional and genetic evidence.

Literature cited by the submitters: PubMed 22820256 (cited by Institute for Genomic Medicine (IGM) Clinical Laboratory, Nationwide Children's Hospital); PubMed 27180681 (cited by Institute for Genomic Medicine (IGM) Clinical Laboratory, Nationwide Children's Hospital); PubMed 33627125 (cited by Institute for Genomic Medicine (IGM) Clinical Laboratory, Nationwide Children's Hospital); PubMed 22832583 (cited by Institute for Genomic Medicine (IGM) Clinical Laboratory, Nationwide Children's Hospital); PubMed 22722829 (cited by Institute for Genomic Medicine (IGM) Clinical Laboratory, Nationwide Children's Hospital); PubMed 28726821 (cited by Institute for Genomic Medicine (IGM) Clinical Laboratory, Nationwide Children's Hospital); PubMed 31574483 (cited by Institute for Genomic Medicine (IGM) Clinical Laboratory, Nationwide Children's Hospital); PubMed 30765705 (cited by Institute for Genomic Medicine (IGM) Clinical Laboratory, Nationwide Children's Hospital); PubMed 38057330 (cited by Institute for Genomic Medicine (IGM) Clinical Laboratory, Nationwide Children's Hospital); PubMed 26091043 (cited by Institute for Genomic Medicine (IGM) Clinical Laboratory, Nationwide Children's Hospital); PubMed 28467829 (cited by Institute for Genomic Medicine (IGM) Clinical Laboratory, Nationwide Children's Hospital); PubMed 35121978 (cited by Institute for Genomic Medicine (IGM) Clinical Laboratory, Nationwide Children's Hospital); PubMed 33230298 (cited by Institute for Genomic Medicine (IGM) Clinical Laboratory, Nationwide Children's Hospital); PubMed 36219477 (cited by Institute for Genomic Medicine (IGM) Clinical Laboratory, Nationwide Children's Hospital); PubMed 31216476 (cited by Institute for Genomic Medicine (IGM) Clinical Laboratory, Nationwide Children's Hospital).

NM_001356.5(DDX3X):c.1051C>T (p.Arg351Trp)

Gene: DDX3X (DEAD-box helicase 3 X-linked; plus strand). Cytogenetic location: Xp11.4.
Variant type: single nucleotide variant.
Coding change: c.1051C>T on transcript NM_001356.5 (MANE Select); coding-DNA position 1051, C replaced by T.
Protein change: p.Arg351Trp; replaces arginine 351 with tryptophan.
Molecular consequence: missense variant. On other transcripts: non-coding transcript variant (1).
Genome position (GRCh38, 1-based): chrX:41,345,205, C>T. VCF-style: chrX-41345205-C-T. GRCh37 (hg19) VCF-style: chrX-41204458-C-T.
Other names: c.1051C>T, p.Arg351Trp (NM_001193416.3); c.1003C>T, p.Arg335Trp (NM_001193417.3); c.493C>T, p.Arg165Trp (NM_001363819.1); short protein forms R165W, R335W, R351W.
Identifiers: ClinVar variation 3054208 (VCV003054208.3), dbSNP rs2519518464, ClinGen allele CA412771279.